The following is an entry in ClinVar:

ClinVar aggregate classification (germline): Likely pathogenic (1 of 4 stars; one submission).

Submission:

Labcorp Genetics (formerly Invitae), Labcorp
Classification: Likely pathogenic. Last evaluated: 2022-04-04. Review status: criteria provided, single submitter. Criteria: Invitae Variant Classification Sherloc (09022015). Collection method: clinical testing. Allele origin: germline.
Comment: Algorithms developed to predict the effect of sequence changes on RNA splicing suggest that this variant may disrupt the consensus splice site. This variant has not been reported in the literature in individuals affected with C5-related conditions. This variant is not present in population databases (gnomAD no frequency). This sequence change affects an acceptor splice site in intron 15 of the C5 gene. It is expected to disrupt RNA splicing. Variants that disrupt the donor or acceptor splice site typically lead to a loss of protein function (PMID: 16199547), and loss-of-function variants in C5 are known to be pathogenic (PMID: 7730648, 19414197, 27026170). In summary, the currently available evidence indicates that the variant is pathogenic, but additional data are needed to prove that conclusively. Therefore, this variant has been classified as Likely Pathogenic.

Literature cited by the submitters: PubMed 16199547; PubMed 7730648; PubMed 19414197; PubMed 27026170.

NM_001735.3(C5):c.1997-1G>A

Gene: C5 (complement C5; minus strand). Cytogenetic location: 9q33.2.
Variant type: single nucleotide variant.
Coding change: c.1997-1G>A on transcript NM_001735.3 (MANE Select); the canonical splice acceptor site of the intron before coding-DNA position 1997, G replaced by A.
Molecular consequence: splice acceptor variant.
Genome position (GRCh38, 1-based): chr9:121,015,262, C>T on the plus strand (G>A on the coding strand, the complement: C5 is on the minus strand). VCF-style: chr9-121015262-C-T. GRCh37 (hg19) VCF-style: chr9-123777540-C-T.
Other names: c.2015-1G>A (NM_001317163.2); c.1997-1G>A (NM_001317164.2).
Identifiers: ClinVar variation 1913674 (VCV001913674.5), dbSNP rs2540426895, ClinGen allele CA374744991.